The following is an entry in ClinVar:

ClinVar aggregate classification (germline): Pathogenic (1 of 4 stars; one submission).

Conditions:
Familial adenomatous polyposis 1 (FAP1). Also called: FAMILIAL ADENOMATOUS POLYPOSIS 1, ATTENUATED; POLYPOSIS, ADENOMATOUS INTESTINAL. Identifiers: MedGen C2713442, MONDO:0021056, OMIM 175100. Disease mechanism: loss of function.

Allele frequency attached by ClinVar (database versions not stated): TOPMed below 0.00001.

Submission:

Myriad Genetics, Inc.
Classification: Pathogenic for Familial adenomatous polyposis 1. Last evaluated: 2023-05-01. Review status: criteria provided, single submitter. Criteria: Myriad Autosomal Dominant, Autosomal Recessive and X-Linked Classification Criteria (2023). Collection method: clinical testing. Allele origin: unknown.
Comment: This variant is considered pathogenic. This variant creates a termination codon and is predicted to result in premature protein truncation.

NM_000038.6(APC):c.1436T>A (p.Leu479Ter)

Gene: APC (APC regulator of Wnt signaling pathway; plus strand). Cytogenetic location: 5q22.2.
Variant type: single nucleotide variant.
Coding change: c.1436T>A on transcript NM_000038.6 (MANE Select); coding-DNA position 1436, T replaced by A.
Protein change: p.Leu479Ter; replaces leucine 479 with a stop codon.
Molecular consequence: nonsense.
Genome position (GRCh38, 1-based): chr5:112,827,135, T>A. VCF-style: chr5-112827135-T-A. GRCh37 (hg19) VCF-style: chr5-112162832-T-A.
Other names: c.1436T>A, p.Leu479Ter (NM_001354895.2, NM_001127510.3, NM_001407450.1); c.1490T>A, p.Leu497Ter (NM_001354896.2, NM_001407447.1, NM_001407448.1 and 1 more transcripts); c.1352T>A, p.Leu451Ter (NM_001354899.2); c.1313T>A, p.Leu438Ter (NM_001354900.2); c.1259T>A, p.Leu420Ter (NM_001354901.2, NM_001407453.1); c.1163T>A, p.Leu388Ter (NM_001354902.2); c.1133T>A, p.Leu378Ter (NM_001354903.2, NM_001407458.1, NM_001407459.1 and 1 more transcripts); c.1361T>A, p.Leu454Ter (NM_001354898.2); and 11 more; short protein forms L196*, L319*, L350*, L353*, L378*, L388*, L396*, L420*.
Identifiers: ClinVar variation 2583872 (VCV002583872.2), dbSNP rs1763763568, ClinGen allele CA16024447.
Genomic context (GRCh38, chr5:112,827,135, plus strand): 5'-ATTGTCTTTTTCCTCTTGCCCTTTTTAAATTAGGGGGACTACAGGCCATTGCAGAATTAT[T>A]GCAAGTGGACTGTGAAATGTATGGGCTTACTAATGACCACTACAGTATTACACTAAGACG-3'